The following is an entry in ClinVar:

ClinVar aggregate classification (germline): Uncertain significance. Review status: criteria provided, multiple submitters, no conflicts (2 of 4 stars). 3 submissions from 3 submitters: Uncertain significance (3). Last evaluated 2025-01-06.

Conditions:
Inborn genetic diseases. Identifiers: MedGen C0950123, MeSH D030342.

Allele frequency attached by ClinVar (database versions not stated): TOPMed 0.00013; gnomAD 0.00014 and 0.00015; ESP Exome Variant Server 0.00017; gnomAD exomes 0.00023 and 0.00024; ExAC 0.00025.
gnomAD v4.1: 376 of 1,613,388 alleles (0.023%); highest among the groups gnomAD compares: South Asian, 0.074%; no homozygotes.

Submissions (3):

Labcorp Genetics (formerly Invitae), Labcorp
Classification: Uncertain significance. Last evaluated: 2025-01-06. Review status: criteria provided, single submitter. Criteria: Invitae Variant Classification Sherloc (09022015). Collection method: clinical testing. Allele origin: germline.
Comment: This sequence change replaces valine, which is neutral and non-polar, with isoleucine, which is neutral and non-polar, at codon 1780 of the MPDZ protein (p.Val1780Ile). This variant is present in population databases (rs202112833, gnomAD 0.07%). This variant has not been reported in the literature in individuals affected with MPDZ-related conditions. ClinVar contains an entry for this variant (Variation ID: 1346178). An algorithm developed to predict the effect of missense changes on protein structure and function (PolyPhen-2) suggests that this variant is likely to be disruptive. In summary, the available evidence is currently insufficient to determine the role of this variant in disease. Therefore, it has been classified as a Variant of Uncertain Significance.

Blueprint Genetics
Classification: Uncertain significance. Last evaluated: 2024-10-17. Review status: criteria provided, single submitter. Criteria: ACMG Guidelines, 2015. Collection method: clinical testing. Allele origin: germline.

Ambry Genetics
Classification: Uncertain significance for Inborn genetic diseases. Last evaluated: 2022-07-08. Review status: criteria provided, single submitter. Criteria: Ambry Variant Classification Scheme 2023. Collection method: clinical testing. Allele origin: germline.

NM_001378778.1(MPDZ):c.5338G>A (p.Val1780Ile)

Gene: MPDZ (multiple PDZ domain crumbs cell polarity complex component; minus strand). Cytogenetic location: 9p23.
Variant type: single nucleotide variant.
Coding change: c.5338G>A on transcript NM_001378778.1 (MANE Select); coding-DNA position 5338, G replaced by A.
Protein change: p.Val1780Ile; replaces valine 1780 with isoleucine.
Molecular consequence: missense variant.
Genome position (GRCh38, 1-based): chr9:13,119,543, C>T on the plus strand (G>A on the coding strand, the complement: MPDZ is on the minus strand). VCF-style: chr9-13119543-C-T. GRCh37 (hg19) VCF-style: chr9-13119542-C-T.
Other names: c.5239G>A, p.Val1747Ile (NM_001261406.2, NM_001261407.2, NM_001375416.1 and 3 more transcripts); c.5338G>A, p.Val1780Ile (NM_001330637.2, NM_003829.5); c.5437G>A, p.Val1813Ile (NM_001375413.1); c.5128G>A, p.Val1710Ile (NM_001375420.1, NM_001375421.1, NM_001375422.1 and 4 more transcripts); c.4930G>A, p.Val1644Ile (NM_001375427.1); c.5338G>A (NM_003829.3); short protein forms V1644I, V1710I, V1747I, V1780I, V1813I.
Identifiers: ClinVar variation 1346178 (VCV001346178.6), dbSNP rs202112833, ClinGen allele CA4986347.